The following is an entry in ClinVar:

NM_004415.4(DSP):c.7256_7258del (p.Asn2419del)

Gene: DSP (desmoplakin; plus strand). Cytogenetic location: 6p24.3.
Variant type: Deletion.
Coding change: c.7256_7258del on transcript NM_004415.4 (MANE Select); coding-DNA positions 7256 to 7258, 3 bases deleted (ACA; older notation c.7256_7258delACA).
Protein change: p.Asn2419del; deletes asparagine 2419.
Molecular consequence: inframe deletion.
Genome position (GRCh38, 1-based): chr6:7,584,518-7,584,520, ACA deleted; deleting any 3 consecutive bases within chr6:7,584,516-7,584,520 gives the same sequence; the c. name uses the placement nearest the transcript's 3' end. VCF-style (leftmost placement, unchanged base first): chr6-7584515-CCAA-C. GRCh37 (hg19) VCF-style: chr6-7584748-CCAA-C.
Other names: c.5459_5461del, p.Asn1820del (NM_001008844.3); c.5927_5929del, p.Asn1976del (NM_001319034.2); short protein forms N1820del, N1976del, N2419del.
Identifiers: ClinVar variation 3074241 (VCV003074241.1), dbSNP rs2533944782, ClinGen allele CA2825001488.

ClinVar aggregate classification (germline): Uncertain significance (1 of 4 stars; one submission).

Conditions:
Arrhythmogenic cardiomyopathy with wooly hair and keratoderma. Also called: PALMOPLANTAR KERATODERMA WITH LEFT VENTRICULAR CARDIOMYOPATHY AND WOOLLY HAIR; Carvajal syndrome; Dilated cardiomyopathy with woolly hair and keratoderma; Arrhythmogenic cardiomyopathy with woolly hair and keratoderma. Identifiers: Orphanet 65282, MedGen C1854063, MONDO:0011581, OMIM 605676.

Submission:

All of Us Research Program, National Institutes of Health
Classification: Uncertain significance for Arrhythmogenic cardiomyopathy with wooly hair and keratoderma. Last evaluated: 2023-10-30. Review status: criteria provided, single submitter. Criteria: ACMG Guidelines, 2015. Collection method: clinical testing. Allele origin: germline. Inheritance: Autosomal dominant inheritance. Observed: 1 variant allele, 1 heterozygote.
Comment: This study involves interpretation of variants in research participants for the purpose of population health screening. Participant phenotype was not available at the time of variant classification. Additional details can be found in publication PMID: 35346344, PMCID: PMC8962531